The following is an entry in ClinVar:

NM_004239.4(TRIP11):c.405T>C (p.Ala135=)

Gene: TRIP11 (thyroid hormone receptor interactor 11; minus strand). Cytogenetic location: 14q32.12.
Variant type: single nucleotide variant.
Coding change: c.405T>C on transcript NM_004239.4 (MANE Select); coding-DNA position 405, T replaced by C.
Protein change: p.Ala135=; no amino-acid change (alanine 135 retained).
Molecular consequence: synonymous variant.
Genome position (GRCh38, 1-based): chr14:92,021,739, A>G on the plus strand (T>C on the coding strand, the complement: TRIP11 is on the minus strand). VCF-style: chr14-92021739-A-G. GRCh37 (hg19) VCF-style: chr14-92488083-A-G.
Other names: p.Ala135=; c.402T>C, p.Ala134= (NM_001321851.1).
Identifiers: ClinVar variation 314977 (VCV000314977.32), dbSNP rs77981249, ClinGen allele CA7314196.

ClinVar aggregate classification (germline): Benign. Review status: criteria provided, multiple submitters, no conflicts (2 of 4 stars). 8 submissions from 8 submitters: Benign (8). Last evaluated 2026-05-11.

Conditions:
Achondrogenesis, type IA (ACG1A). Identifiers: Orphanet 932, Orphanet 93299, MedGen C0265273, MONDO:0008701, OMIM 200600.
Connective tissue disorder. Also called: Connective tissue disease. Identifiers: MedGen C0009782, MONDO:0003900.

Allele frequency attached by ClinVar (database versions not stated): TOPMed 0.01461; 1000 Genomes Project 0.04093; ESP Exome Variant Server 0.01253; ExAC 0.02834; gnomAD 0.01852 and 0.01569; 1000 Genomes Project 30x 0.03795; gnomAD exomes 0.02695.
gnomAD v4.1: 33,904 of 1,614,178 alleles (2.1%); highest among the groups gnomAD compares: East Asian, 8.9%; 730 homozygotes.

Submissions (8):

Women's Health and Genetics/Laboratory Corporation of America, LabCorp
Classification: Benign. Last evaluated: 2026-05-11. Review status: criteria provided, single submitter. Criteria: LabCorp Variant Classification Summary - May 2015. Collection method: clinical testing. Allele origin: germline.

Labcorp Genetics (formerly Invitae), Labcorp
Classification: Benign for Achondrogenesis, type IA. Last evaluated: 2026-02-01. Review status: criteria provided, single submitter. Criteria: Invitae Variant Classification Sherloc (09022015). Collection method: clinical testing. Allele origin: germline.

ARUP Laboratories, Molecular Genetics and Genomics, ARUP Laboratories
Classification: Benign. Last evaluated: 2025-06-13. Review status: criteria provided, single submitter. Criteria: ARUP Molecular Germline Variant Investigation Process 2024. Collection method: clinical testing. Allele origin: germline.

Genome Diagnostics Laboratory, The Hospital for Sick Children
Classification: Benign for Connective tissue disorder. Last evaluated: 2021-05-11. Review status: criteria provided, single submitter. Criteria: ACMG Guidelines, 2015. Collection method: clinical testing. Allele origin: germline.

Mayo Clinic Laboratories, Mayo Clinic
Classification: Benign. Last evaluated: 2020-07-10. Review status: criteria provided, single submitter. Criteria: ACMG Guidelines, 2015. Collection method: clinical testing. Allele origin: germline. Observed: 4 variant alleles.

Illumina Laboratory Services, Illumina
Classification: Benign for Achondrogenesis, type IA. Last evaluated: 2018-01-13. Review status: criteria provided, single submitter. Criteria: ICSL Variant Classification Criteria 13 December 2019. Collection method: clinical testing. Allele origin: germline.
Comment: This variant was observed in the ICSL laboratory as part of a predisposition screen in an ostensibly healthy population. It had not been previously curated by ICSL or reported in the Human Gene Mutation Database (HGMD: prior to June 1st, 2018), and was therefore a candidate for classification through an automated scoring system. Utilizing variant allele frequency, disease prevalence and penetrance estimates, and inheritance mode, an automated score was calculated to assess if this variant is too frequent to cause the disease. Based on the score and internal cut-off values, a variant classified as benign is not then subjected to further curation. The score for this variant resulted in a classification of benign for this disease.

GeneDx
Classification: Benign. Last evaluated: 2016-08-26. Review status: criteria provided, single submitter. Criteria: GeneDx Variant Classification (06012015). Collection method: clinical testing. Allele origin: germline. Affected: yes.
Comment: This variant is considered likely benign or benign based on one or more of the following criteria: it is a conservative change, it occurs at a poorly conserved position in the protein, it is predicted to be benign by multiple in silico algorithms, and/or has population frequency not consistent with disease.

Breakthrough Genomics
Classification: Benign. Review status: criteria provided, single submitter. Criteria: ACMG Guidelines, 2015. Collection method: not provided. Allele origin: germline. Inheritance: Autosomal recessive inheritance. Affected: yes.